The following is an entry in ClinVar:

NM_004369.4(COL6A3):c.1900C>T (p.His634Tyr)

Gene: COL6A3 (collagen type VI alpha 3 chain; minus strand). Cytogenetic location: 2q37.3.
Variant type: single nucleotide variant.
Coding change: c.1900C>T on transcript NM_004369.4 (MANE Select); coding-DNA position 1900, C replaced by T.
Protein change: p.His634Tyr; replaces histidine 634 with tyrosine.
Molecular consequence: missense variant. On other transcripts: intron variant (1).
Genome position (GRCh38, 1-based): chr2:237,379,233, G>A on the plus strand (C>T on the coding strand, the complement: COL6A3 is on the minus strand). VCF-style: chr2-237379233-G-A. GRCh37 (hg19) VCF-style: chr2-238287876-G-A.
Other names: c.679C>T, p.His227Tyr (NM_057164.5); c.1282C>T, p.His428Tyr (NM_057165.5, NM_057167.4); c.676+1682C>T (NM_057166.5); short protein forms H634Y, H428Y, H227Y.
Identifiers: ClinVar variation 1424626 (VCV001424626.6), dbSNP rs769257731, ClinGen allele CA2189514.

ClinVar aggregate classification (germline): Uncertain significance (1 of 4 stars; one submission).

Conditions:
Bethlem myopathy 1A. Also called: MYOPATHY, BENIGN CONGENITAL, WITH CONTRACTURES; Bethlem Muscular Dystrophy; Bethlem myopathy 1. Identifiers: Orphanet 610, MedGen CN029274, MONDO:0024530, OMIM 158810.

Allele frequency attached by ClinVar (database versions not stated): gnomAD exomes below 0.00001; ExAC 0.00001.

Submission:

Labcorp Genetics (formerly Invitae), Labcorp
Classification: Uncertain significance for Bethlem myopathy 1A. Last evaluated: 2021-11-23. Review status: criteria provided, single submitter. Criteria: Invitae Variant Classification Sherloc (09022015). Collection method: clinical testing. Allele origin: germline.
Comment: This sequence change replaces histidine, which is basic and polar, with tyrosine, which is neutral and polar, at codon 634 of the COL6A3 protein (p.His634Tyr). This variant is present in population databases (rs769257731, gnomAD 0.0009%). This variant has not been reported in the literature in individuals affected with COL6A3-related conditions. Algorithms developed to predict the effect of missense changes on protein structure and function are either unavailable or do not agree on the potential impact of this missense change (SIFT: "Tolerated"; PolyPhen-2: "Possibly Damaging"; Align-GVGD: "Class C0"). In summary, the available evidence is currently insufficient to determine the role of this variant in disease. Therefore, it has been classified as a Variant of Uncertain Significance.